The following is an entry in ClinVar:

GRCh37/hg19 18q21.2-23(chr18:53564430-74587425)x1

Genes: ALPK2 (alpha kinase 2; minus strand), ATP8B1 (ATPase phospholipid transporting 8B1; minus strand), BCL2 (BCL2 apoptosis regulator; minus strand), BOD1L2 (biorientation of chromosomes in cell division 1 like 2; plus strand), C18orf63 (chromosome 18 open reading frame 63; plus strand) and 64 more. Cytogenetic location: 18q21.2-23.
Variant type: copy number loss.
Change: copy number 1 (one copy instead of two) of chr18:53,564,430-74,587,425 (21.02 Mb, GRCh37 coordinates, 1-based), cytogenetic band 18q21.2-23.
Identifiers: ClinVar variation 4682934 (VCV004682934.1).

ClinVar aggregate classification (germline): Pathogenic (1 of 4 stars; one submission).

Submission:

Quest Diagnostics Nichols Institute San Juan Capistrano
Classification: Pathogenic. Last evaluated: 2025-04-23. Review status: criteria provided, single submitter. Criteria: ACMG/ClinGen CNV Guidelines, 2019. Collection method: clinical testing. Allele origin: unknown.
Comment: This 18q21.2q23 deletion involves at least 65 protein-coding genes. Smaller deletions contained within 18q21.2q23 have been identified in individuals with various phenotypes (Bartnik 2014, Chao 2010, Coppola 2019, Feenstra 2011, Firth 2009, Turner 2015, Zayed 2010). However, some of these deletions are inherited from unaffected parents. There are no similar copy number losses of this region in the general populations of the Database of Genomic Variants. Thus, based on current medical literature and gene count, this copy number variant (CNV) is classified as pathogenic. References: Bartnik et al., Dev Period Med. 2014 Jul-Sep;18(3):307-17. PMID: 25182394 Chao et al., PLoS One. 2010 May 11;5(5):e10565. PMID: 20485507 Coppola et al., Epilepsia. 2019 Apr;60(4):689-706. PMID: 30866059 Feenstra et al., Am J Hum Genet. 2011 Dec 9;89(6):813-9. PMID: 22152683 Firth et al., Am J Hum Genet. 2009 Apr;84(4):524-33. PMID: 19344873 Turner et al., Child Obes. 2015 Apr;11(2):219-23. PMID: 25747306 Zayed et al., Am J Med Genet A. 2010 Apr;152A(4):916-23. PMID: 20358601